The following is an entry in ClinVar:

ClinVar aggregate classification (germline): Benign (1 of 4 stars; one submission).

Allele frequency attached by ClinVar (database versions not stated): TOPMed 0.00025; gnomAD 0.00027; 1000 Genomes Project 0.00160; 1000 Genomes Project 30x 0.00172.

Submission:

CeGaT Center for Human Genetics Tuebingen
Classification: Benign. Last evaluated: 2022-08-01. Review status: criteria provided, single submitter. Criteria: CeGaT Center For Human Genetics Tuebingen Variant Classification Criteria Version 2. Collection method: clinical testing. Allele origin: germline. Affected: yes. Observed: 1 variant allele.
Comment: KRAS: BS1, BS2

NC_000012.12:g.25251441T>C

Genes: KRAS (KRas proto-oncogene, GTPase; minus strand), LOC130007561 (ATAC-STARR-seq lymphoblastoid silent region 4294; plus strand). Cytogenetic location: 12p12.1.
Variant type: single nucleotide variant.
Genome position: GRCh38 VCF-style: chr12-25251441-T-C. GRCh37 (hg19) VCF-style: chr12-25404375-T-C.
Identifiers: ClinVar variation 2642799 (VCV002642799.24), dbSNP rs370324187, ClinGen allele CA234240516.